The following is an entry in ClinVar:

ClinVar aggregate classification (germline): Uncertain significance (1 of 4 stars; one submission).

gnomAD v4.1: 28 of 1,614,170 alleles (0.0017%); highest among the groups gnomAD compares: Middle Eastern, 0.049%; no homozygotes.

Submission:

GeneDx
Classification: Uncertain significance. Last evaluated: 2023-06-06. Review status: criteria provided, single submitter. Criteria: GeneDx Variant Classification Process June 2021. Collection method: clinical testing. Allele origin: germline. Affected: yes.
Comment: In silico analysis supports that this missense variant does not alter protein structure/function; Has not been previously published as pathogenic or benign to our knowledge

NM_001756.4(SERPINA6):c.1112C>T (p.Thr371Met)

Gene: SERPINA6 (serpin family A member 6; minus strand). Cytogenetic location: 14q32.13.
Variant type: single nucleotide variant.
Coding change: c.1112C>T on transcript NM_001756.4 (MANE Select); coding-DNA position 1112, C replaced by T.
Protein change: p.Thr371Met; replaces threonine 371 with methionine.
Molecular consequence: missense variant.
Genome position (GRCh38, 1-based): chr14:94,304,524, G>A on the plus strand (C>T on the coding strand, the complement: SERPINA6 is on the minus strand). VCF-style: chr14-94304524-G-A. GRCh37 (hg19) VCF-style: chr14-94770861-G-A.
Other names: short protein forms T371M.
Identifiers: ClinVar variation 3359522 (VCV003359522.1).
Genomic context (GRCh38, chr14:94,304,524, plus strand): 5'-AAGTGGTCGAAGATCATGATGATGAAGGGCTGGTTGAAACGCAAGATGATAGGCTTGGAC[G>A]TCAGGTTTAGGGTGACCCCAGTGGAGCCAGCTGTGTCCACACCCTCCTCATTGAGTTGCA-3'
Protein context (NP_001747.3, residues 361-381): AGSTGVTLNL[Thr371Met]SKPIILRFNQ